The following is an entry in ClinVar:

ClinVar aggregate classification (germline): Uncertain significance (1 of 4 stars; one submission).

Submission:

Labcorp Genetics (formerly Invitae), Labcorp
Classification: Uncertain significance. Last evaluated: 2023-07-12. Review status: criteria provided, single submitter. Criteria: Invitae Variant Classification Sherloc (09022015). Collection method: clinical testing. Allele origin: germline.
Comment: In summary, the available evidence is currently insufficient to determine the role of this variant in disease. Therefore, it has been classified as a Variant of Uncertain Significance. This variant disrupts the p.Met107 amino acid residue in PKLR. Other variant(s) that disrupt this residue have been observed in individuals with PKLR-related conditions (PMID: 33937978), which suggests that this may be a clinically significant amino acid residue. Advanced modeling of protein sequence and biophysical properties (such as structural, functional, and spatial information, amino acid conservation, physicochemical variation, residue mobility, and thermodynamic stability) performed at Invitae indicates that this missense variant is expected to disrupt PKLR protein function. This missense change has been observed in individual(s) with pyruvate kinase deficiency (PMID: 7655861; Invitae). This variant is not present in population databases (gnomAD no frequency). This sequence change replaces methionine, which is neutral and non-polar, with threonine, which is neutral and polar, at codon 107 of the PKLR protein (p.Met107Thr).

Literature cited by the submitters: PubMed 33937978; PubMed 7655861.

NM_000298.6(PKLR):c.320T>C (p.Met107Thr)

Gene: PKLR (pyruvate kinase L/R; minus strand). Cytogenetic location: 1q22.
Variant type: single nucleotide variant.
Coding change: c.320T>C on transcript NM_000298.6 (MANE Select); coding-DNA position 320, T replaced by C.
Protein change: p.Met107Thr; replaces methionine 107 with threonine.
Molecular consequence: missense variant.
Genome position (GRCh38, 1-based): chr1:155,295,720, A>G on the plus strand (T>C on the coding strand, the complement: PKLR is on the minus strand). VCF-style: chr1-155295720-A-G. GRCh37 (hg19) VCF-style: chr1-155265511-A-G.
Other names: c.227T>C, p.Met76Thr (NM_181871.4); short protein forms M107T, M76T.
Identifiers: ClinVar variation 2733988 (VCV002733988.3), dbSNP rs2525304199, ClinGen allele CA342756264.